The following is an entry in ClinVar:

ClinVar aggregate classification (germline): Uncertain significance (1 of 4 stars; one submission).

Submission:

Labcorp Genetics (formerly Invitae), Labcorp
Classification: Uncertain significance. Last evaluated: 2024-07-02. Review status: criteria provided, single submitter. Criteria: Invitae Variant Classification Sherloc (09022015). Collection method: clinical testing. Allele origin: germline.
Comment: This sequence change replaces proline, which is neutral and non-polar, with leucine, which is neutral and non-polar, at codon 650 of the ERBB2 protein (p.Pro650Leu). This variant is present in population databases (rs778798172, gnomAD 0.0009%). This variant has not been reported in the literature in individuals affected with ERBB2-related conditions. An algorithm developed to predict the effect of missense changes on protein structure and function (PolyPhen-2) suggests that this variant is likely to be tolerated. In summary, the available evidence is currently insufficient to determine the role of this variant in disease. Therefore, it has been classified as a Variant of Uncertain Significance.

NM_004448.4(ERBB2):c.1949C>T (p.Pro650Leu)

Gene: ERBB2 (erb-b2 receptor tyrosine kinase 2; plus strand). Cytogenetic location: 17q12.
Variant type: single nucleotide variant.
Coding change: c.1949C>T on transcript NM_004448.4 (MANE Select); coding-DNA position 1949, C replaced by T.
Protein change: p.Pro650Leu; replaces proline 650 with leucine.
Molecular consequence: missense variant. On other transcripts: non-coding transcript variant (1), intron variant (1).
Genome position (GRCh38, 1-based): chr17:39,723,321, C>T. VCF-style: chr17-39723321-C-T. GRCh37 (hg19) VCF-style: chr17-37879574-C-T.
Other names: c.1949C>T, p.Pro650Leu (NM_001382800.1, NM_001382803.1, NM_001382805.1 and 7 more transcripts); c.1901C>T, p.Pro634Leu (NM_001382801.1, NM_001382795.1); c.1691C>T, p.Pro564Leu (NM_001382802.1); c.1121C>T, p.Pro374Leu (NM_001382804.1); c.1223-643C>T (NM_001382806.1); c.1946C>T, p.Pro649Leu (NM_001382790.1); c.1940C>T, p.Pro647Leu (NM_001382791.1); c.1769C>T, p.Pro590Leu (NM_001382799.1); and 7 more; short protein forms P374L, P564L, P647L, P675L, P590L, P634L, P649L, P684L.
Identifiers: ClinVar variation 3710334 (VCV003710334.2).